The following is an entry in ClinVar:

ClinVar aggregate classification (germline): Uncertain significance. Review status: criteria provided, multiple submitters, no conflicts (2 of 4 stars). 2 submissions from 2 submitters: Uncertain significance (2). Last evaluated 2023-01-01.

Conditions:
Long QT syndrome (LQTS). Identifiers: MedGen C0023976, MeSH D008133, MONDO:0002442. Disease mechanism: loss of function. Inheritance: Various modes of inheritance.
Cardiovascular phenotype. Identifiers: MedGen CN230736.

Allele frequency attached by ClinVar (database versions not stated): gnomAD exomes below 0.00001.
gnomAD v4.1: 3 of 1,571,912 alleles (0.00019%); highest among the groups gnomAD compares: African/African-American, 0.004%; no homozygotes.

Submissions (2):

Labcorp Genetics (formerly Invitae), Labcorp
Classification: Uncertain significance for Long QT syndrome. Last evaluated: 2023-01-01. Review status: criteria provided, single submitter. Criteria: Invitae Variant Classification Sherloc (09022015). Collection method: clinical testing. Allele origin: germline.
Comment: Advanced modeling of protein sequence and biophysical properties (such as structural, functional, and spatial information, amino acid conservation, physicochemical variation, residue mobility, and thermodynamic stability) performed at Invitae indicates that this missense variant is expected to disrupt KCNQ1 protein function. In summary, the available evidence is currently insufficient to determine the role of this variant in disease. Therefore, it has been classified as a Variant of Uncertain Significance. ClinVar contains an entry for this variant (Variation ID: 1780855). This missense change has been observed in individual(s) with clinical features of long QT syndrome (PMID: 23631430; Invitae). This variant is not present in population databases (gnomAD no frequency). This sequence change replaces isoleucine, which is neutral and non-polar, with asparagine, which is neutral and polar, at codon 609 of the KCNQ1 protein (p.Ile609Asn).

Ambry Genetics
Classification: Uncertain significance for Cardiovascular phenotype. Last evaluated: 2020-11-24. Review status: criteria provided, single submitter. Criteria: Ambry Variant Classification Scheme 2023. Collection method: clinical testing. Allele origin: germline.
Comment: The p.I609N variant (also known as c.1826T>A), located in coding exon 16 of the KCNQ1 gene, results from a T to A substitution at nucleotide position 1826. The isoleucine at codon 609 is replaced by asparagine, an amino acid with dissimilar properties, and is located in the subunits assembly domain. This alteration has been reported in a long QT syndrome genetic testing cohort (Lieve KV et al. Genet Test Mol Biomarkers, 2013 Jul;17:553-61). This amino acid position is highly conserved in available vertebrate species. In addition, this alteration is predicted to be deleterious by in silico analysis. Since supporting evidence is limited at this time, the clinical significance of this alteration remains unclear.

Literature cited by the submitters: PubMed 23631430 (cited by Labcorp Genetics (formerly Invitae), Labcorp and Ambry Genetics).

NM_000218.3(KCNQ1):c.1826T>A (p.Ile609Asn)

Genes: KCNQ1-AS1 (KCNQ1 antisense RNA 1; minus strand), KCNQ1 (potassium voltage-gated channel subfamily Q member 1; plus strand). Cytogenetic location: 11p15.4.
Variant type: single nucleotide variant.
Coding change: c.1826T>A on transcript NM_000218.3 (MANE Select); coding-DNA position 1826, T replaced by A.
Protein change: p.Ile609Asn; replaces isoleucine 609 with asparagine.
Molecular consequence: missense variant.
Genome position (GRCh38, 1-based): chr11:2,847,798, T>A. VCF-style: chr11-2847798-T-A. GRCh37 (hg19) VCF-style: chr11-2869028-T-A.
Other names: c.1730T>A, p.Ile577Asn (NM_001406836.1); c.1556T>A, p.Ile519Asn (NM_001406837.1); c.1286T>A, p.Ile429Asn (NM_001406838.1); c.338T>A, p.Ile113Asn (NM_001406839.1); c.1445T>A, p.Ile482Asn (NM_181798.2); short protein forms I429N, I609N, I482N, I519N, I577N, I113N.
Identifiers: ClinVar variation 1780855 (VCV001780855.7), dbSNP rs2494325781, ClinGen allele CA379140238.